The following is an entry in ClinVar:

ClinVar aggregate classification (germline): Uncertain significance (1 of 4 stars; one submission).

Conditions:
Cardiovascular phenotype. Identifiers: MedGen CN230736.

Submission:

Ambry Genetics
Classification: Uncertain significance for Cardiovascular phenotype. Last evaluated: 2022-04-19. Review status: criteria provided, single submitter. Criteria: Ambry Variant Classification Scheme 2023. Collection method: clinical testing. Allele origin: germline.
Comment: The p.G56V variant (also known as c.167G>T), located in coding exon 2 of the ANKRD1 gene, results from a G to T substitution at nucleotide position 167. The glycine at codon 56 is replaced by valine, an amino acid with dissimilar properties. This amino acid position is conserved. In addition, this alteration is predicted to be tolerated by in silico analysis. Since supporting evidence is limited at this time, the clinical significance of this alteration remains unclear.

NM_014391.3(ANKRD1):c.167G>T (p.Gly56Val)

Gene: ANKRD1 (ankyrin repeat domain 1; minus strand). Cytogenetic location: 10q23.31.
Variant type: single nucleotide variant.
Coding change: c.167G>T on transcript NM_014391.3 (MANE Select); coding-DNA position 167, G replaced by T.
Protein change: p.Gly56Val; replaces glycine 56 with valine.
Molecular consequence: missense variant.
Genome position (GRCh38, 1-based): chr10:90,920,209, C>A on the plus strand (G>T on the coding strand, the complement: ANKRD1 is on the minus strand). VCF-style: chr10-90920209-C-A. GRCh37 (hg19) VCF-style: chr10-92679966-C-A.
Other names: short protein forms G56V.
Identifiers: ClinVar variation 1777884 (VCV001777884.3), dbSNP rs2492962577, ClinGen allele CA377553505.